The following is an entry in ClinVar:

ClinVar aggregate classification (germline): Likely benign (1 of 4 stars; one submission).

Allele frequency attached by ClinVar (database versions not stated): gnomAD exomes 0.00009; ExAC 0.00028; ESP Exome Variant Server 0.00073; gnomAD 0.00092; TOPMed 0.00105; 1000 Genomes Project 0.00240; 1000 Genomes Project 30x 0.00297.
gnomAD v4.1: 283 of 1,614,020 alleles (0.018%); highest among the groups gnomAD compares: African/African-American, 0.32%; 3 homozygotes.

Submission:

CeGaT Center for Human Genetics Tuebingen
Classification: Likely benign. Last evaluated: 2023-04-01. Review status: criteria provided, single submitter. Criteria: CeGaT Center For Human Genetics Tuebingen Variant Classification Criteria Version 2. Collection method: clinical testing. Allele origin: germline. Affected: yes. Observed: 1 variant allele.
Comment: SVEP1: BP4, BP7, BS2

NM_153366.4(SVEP1):c.6444G>A (p.Glu2148=)

Gene: SVEP1 (sushi, von Willebrand factor type A, EGF and pentraxin domain containing 1; minus strand). Cytogenetic location: 9q31.3.
Variant type: single nucleotide variant.
Coding change: c.6444G>A on transcript NM_153366.4 (MANE Select); coding-DNA position 6444, G replaced by A.
Protein change: p.Glu2148=; no amino-acid change (glutamic acid 2148 retained).
Molecular consequence: synonymous variant.
Genome position (GRCh38, 1-based): chr9:110,411,267, C>T on the plus strand (G>A on the coding strand, the complement: SVEP1 is on the minus strand). VCF-style: chr9-110411267-C-T. GRCh37 (hg19) VCF-style: chr9-113173547-C-T.
Identifiers: ClinVar variation 2659415 (VCV002659415.24), dbSNP rs79128366, ClinGen allele CA5182229.